The following is an entry in ClinVar:

ClinVar aggregate classification (germline): Likely benign (1 of 4 stars; one submission).

Conditions:
CACNB2-related disorder. Also called: CACNB2-related condition.

gnomAD v4.1: 16 of 1,099,834 alleles (0.0015%); highest among the groups gnomAD compares: African/African-American, 0.029%; 1 homozygote.

Submission:

PreventionGenetics, part of Exact Sciences
Classification: Likely benign for CACNB2-related condition. Last evaluated: 2025-11-11. Review status: criteria provided, single submitter. Criteria: ACMG Guidelines, 2015. Collection method: clinical testing. Allele origin: germline.
Comment: This variant is classified as likely benign based on ACMG/AMP sequence variant interpretation guidelines (Richards et al. 2015 PMID: 25741868, with internal and published modifications).

NM_201596.3(CACNB2):c.138C>T (p.Ala46=)

Gene: CACNB2 (calcium voltage-gated channel auxiliary subunit beta 2; plus strand). Cytogenetic location: 10p12.33.
Variant type: single nucleotide variant.
Coding change: c.138C>T on transcript NM_201596.3 (MANE Select); coding-DNA position 138, C replaced by T.
Protein change: p.Ala46=; no amino-acid change (alanine 46 retained).
Molecular consequence: synonymous variant.
Genome position (GRCh38, 1-based): chr10:18,150,900, C>T. VCF-style: chr10-18150900-C-T. GRCh37 (hg19) VCF-style: chr10-18439829-C-T.
Other names: c.54C>T, p.Ala18= (NM_001167945.2, NM_201571.4, NM_201572.4); c.138C>T, p.Ala46= (NM_201593.3, NM_201597.3).
Identifiers: ClinVar variation 4978050 (VCV004978050.1).